The following is an entry in ClinVar:

ClinVar aggregate classification (germline): Conflicting classifications of pathogenicity. Review status: criteria provided, conflicting classifications (1 of 4 stars). 8 submissions from 7 submitters: Uncertain significance (6); Uncertain risk allele (1); Likely benign (1). Last evaluated 2024-08-28.

Conditions:
WFS1-Related Spectrum Disorders.
Wolfram-like syndrome. Also called: HEARING LOSS, PROGRESSIVE, WITH OPTIC ATROPHY AND/OR IMPAIRED GLUCOSE REGULATION. Identifiers: Orphanet 411590, MedGen C3280358, MONDO:0013673, OMIM 614296.
Autosomal dominant nonsyndromic hearing loss 6 (LFSNHL). Also called: Autosomal dominant nonsyndromic deafness 6; DEAFNESS, AUTOSOMAL DOMINANT 6; DEAFNESS, AUTOSOMAL DOMINANT 14; DEAFNESS, AUTOSOMAL DOMINANT 38. Identifiers: Orphanet 90635, MedGen C1833021, MONDO:0010963, OMIM 600965.
Type 2 diabetes mellitus. Also called: Type II diabetes mellitus. Identifiers: MedGen C0011860, MeSH D003924, MONDO:0005148, OMIM 125853, HP:0005978.
Cataract 41 (CTRCT41). Also called: CATARACT 41, CONGENITAL NUCLEAR TYPE. Identifiers: Orphanet 91492, Orphanet 98991, Orphanet 98992, Orphanet 98995, MedGen C3805412, MONDO:0007287, OMIM 116400.
Wolfram syndrome 1 (WFS1). Identifiers: Orphanet 3463, MedGen C4551693, MONDO:0009101, OMIM 222300.

Allele frequency attached by ClinVar (database versions not stated): ESP Exome Variant Server 0.00015; 1000 Genomes Project 30x 0.00016; TOPMed 0.00018; 1000 Genomes Project 0.00020; gnomAD 0.00029.
gnomAD v4.1: 330 of 1,613,824 alleles (0.02%); highest among the groups gnomAD compares: Middle Eastern, 0.05%; 1 homozygote.

Submissions (8):

Labcorp Genetics (formerly Invitae), Labcorp
Classification: Likely benign. Last evaluated: 2024-08-28. Review status: criteria provided, single submitter. Criteria: Invitae Variant Classification Sherloc (09022015). Collection method: clinical testing. Allele origin: germline.

Fulgent Genetics
Classification: Uncertain significance for Cataract 41; Type 2 diabetes mellitus; Wolfram syndrome 1; Autosomal dominant nonsyndromic hearing loss 6; Wolfram-like syndrome. Last evaluated: 2024-03-05. Review status: criteria provided, single submitter. Criteria: ACMG Guidelines, 2015. Collection method: clinical testing. Allele origin: germline.

Laboratory for Molecular Medicine, Mass General Brigham Personalized Medicine
Classification: Uncertain significance. Last evaluated: 2018-08-22. Review status: criteria provided, single submitter. Criteria: LMM Criteria. Collection method: clinical testing. Allele origin: germline. Observed: 1 variant allele.
Comment: The p.Ala342Thr variant in WFS1 has not been previously reported in individuals with hearing loss, Wolfram syndrome, or Wolfram-like syndrome, but has been iden tified in 0.06% (21/30782) of South Asian chromosomes by the Genome Aggregation Database (gnomAD). This variant has also been reported in ClinVar (Variation ID 130747). Computational prediction tools and co nservation analysis do not provide strong support for or against an impact to th e protein. In summary, the clinical significance of the p.Ala342Thr variant is u ncertain. ACMG/AMP Criteria applied: PM2_Supporting.

ARUP Laboratories, Molecular Genetics and Genomics, ARUP Laboratories
Classification: Uncertain significance. Last evaluated: 2017-05-16. Review status: criteria provided, single submitter. Criteria: ARUP Molecular Germline Variant Investigation Process. Collection method: clinical testing. Allele origin: germline.
Comment: The p.Ala342Thr variant (rs148028521) has been reported in the medical literature in a single individual reported to have autosomal dominant nonsyndromic low-frequency hearing loss (Fukuoka 2007); however, inheritance and specific clinical information were not reported for this individual. The p.Ala342Thr variant is listed in the Genome Aggregation Database (gnomAD) browser with an allele frequency of 0.068% in the South Asian population (identified in 21 out of 30,782 chromosomes; 0 homozygotes), and is classified as a variant of uncertain significance in ClinVar (Variant ID: 130747). The alanine at codon 342 is moderately conserved considering 13 species (Alamut software v2.9.0), and computational analyses predict conflicting effects of this variant on protein structure/function (SIFT: tolerated, PolyPhen2: possibly damaging, MutationTaster: disease causing). Based on the available information, the clinical significance of the p.Ala342Thr variant cannot be determined with certainty.

Illumina Laboratory Services, Illumina
Classification: Uncertain significance for Autosomal dominant nonsyndromic hearing loss 6. Last evaluated: 2017-04-27. Review status: criteria provided, single submitter. Criteria: ICSL Variant Classification Criteria 13 December 2019. Collection method: clinical testing. Allele origin: germline.
Comment: This variant was observed as part of a predisposition screen in an ostensibly healthy population. A literature search was performed for the gene, cDNA change, and amino acid change (where applicable). Publications were found based on this search. However, the evidence from the literature, in combination with allele frequency data from public databases where available, was not sufficient to rule this variant in or out of causing disease. Therefore, this variant is classified as a variant of unknown significance.

Illumina Laboratory Services, Illumina
Classification: Uncertain significance for WFS1-Related Spectrum Disorders. Last evaluated: 2017-04-27. Review status: criteria provided, single submitter. Criteria: ICSL Variant Classification Criteria 13 December 2019. Collection method: clinical testing. Allele origin: germline.

Genetic Services Laboratory, University of Chicago
Classification: Uncertain significance. Last evaluated: 2013-10-17. Review status: criteria provided, single submitter. Criteria: ACMG Guidelines, 2007. Collection method: clinical testing. Allele origin: germline. Inheritance: Autosomal recessive inheritance.

Clinical Genomics, Uppaluri K&H Personalized Medicine Clinic
Classification: Uncertain risk allele for Wolfram syndrome 1. Review status: criteria provided, single submitter. Criteria: K & H Uppaluri Personalized Medicine Clinic Variant Classification & Assertion Criteria_Updated V.1. Collection method: research. Allele origin: unknown. Inheritance: Autosomal recessive inheritance.
Comment: Potent mutations in WFS1 gene are associated with Wolfram's syndrome, an autosomal recessive condition, which cause diabetes mellitus, diabetes insipidus, deafness and optic atrophy.However no sufficient evidence is found to ascertain the role of this particular variant rs148028521 in Wolfram's syndrome yet.

Literature cited by the submitters: PubMed 17492394 (cited by Illumina Laboratory Services, Illumina); PubMed 20738327 (cited by Clinical Genomics, Uppaluri K&H Personalized Medicine Clinic); PubMed 33879153 (cited by Clinical Genomics, Uppaluri K&H Personalized Medicine Clinic); PubMed 12955714 (cited by Clinical Genomics, Uppaluri K&H Personalized Medicine Clinic); PubMed 18060660 (cited by Clinical Genomics, Uppaluri K&H Personalized Medicine Clinic); PubMed 20301750 (cited by Clinical Genomics, Uppaluri K&H Personalized Medicine Clinic); PubMed 17603484 (cited by Clinical Genomics, Uppaluri K&H Personalized Medicine Clinic).

NM_006005.3(WFS1):c.1024G>A (p.Ala342Thr)

Gene: WFS1 (wolframin ER transmembrane glycoprotein; plus strand). Cytogenetic location: 4p16.1.
Variant type: single nucleotide variant.
Coding change: c.1024G>A on transcript NM_006005.3 (MANE Select); coding-DNA position 1024, G replaced by A.
Protein change: p.Ala342Thr; replaces alanine 342 with threonine.
Molecular consequence: missense variant.
Genome position (GRCh38, 1-based): chr4:6,300,819, G>A. VCF-style: chr4-6300819-G-A. GRCh37 (hg19) VCF-style: chr4-6302546-G-A.
Other names: c.1024G>A, p.Ala342Thr (NM_001145853.1); short protein forms A342T.
Identifiers: ClinVar variation 130747 (VCV000130747.28), dbSNP rs148028521, ClinGen allele CA231652.
Genomic context (GRCh38, chr4:6,300,819, plus strand): 5'-CACCACATCAACGCGCTCATCTTCTTCTTCATCGTCAGCAACCTCACCATCGACTTCTTC[G>A]CCTTCTTCATCCCGCTGGTCATCTTCTACCTGTCCTTCATCTCCATGGTGATCTGCACCC-3'
Protein context (NP_005996.2, residues 332-352): IVSNLTIDFF[Ala342Thr]FFIPLVIFYL